The following is an entry in ClinVar:

NC_000011.9:g.(?_31804921)_(31816356_?)del

Genes: ELP4 (elongator acetyltransferase complex subunit 4; plus strand), PAX6 (paired box 6; minus strand). Cytogenetic location: 11p13.
Variant type: Deletion.
Identifiers: ClinVar variation 2422796 (VCV002422796.3).

ClinVar aggregate classification (germline): Pathogenic (1 of 4 stars; one submission).

Conditions:
Irido-corneo-trabecular dysgenesis (ASGD5). Also called: ANTERIOR SEGMENT DYSGENESIS 5. Identifiers: Orphanet 708, MedGen C0344559, MONDO:0011414, OMIM 604229, HP:0000659.
Aniridia 1 (AN1). Identifiers: Orphanet 250923, MedGen C0344542, MONDO:0024507, OMIM 106210.

Submission:

Labcorp Genetics (formerly Invitae), Labcorp
Classification: Pathogenic for Aniridia 1; Irido-corneo-trabecular dysgenesis. Last evaluated: 2022-07-19. Review status: criteria provided, single submitter. Criteria: Invitae Variant Classification Sherloc (09022015). Collection method: clinical testing. Allele origin: germline.
Comment: This variant is a gross deletion of the genomic region encompassing exon(s) 8-13 of the PAX6 gene, which includes the termination codon. This deletion extends beyond the assayed region for this gene and therefore may encompass additional genes. While this deletion is not anticipated to lead to nonsense mediated decay, it is expected to alter mRNA translation or result in a truncated protein product. A similar copy number variant has been observed in individual(s) with aniridia (PMID: 18483559; Invitae). For these reasons, this variant has been classified as Pathogenic.

Literature cited by the submitters: PubMed 18483559.